The following is an entry in ClinVar:

NM_153460.4(IL17RC):c.970G>A (p.Ala324Thr)

Gene: IL17RC (interleukin 17 receptor C; plus strand). Cytogenetic location: 3p25.3.
Variant type: single nucleotide variant.
Coding change: c.970G>A on transcript NM_153460.4 (MANE Select); coding-DNA position 970, G replaced by A.
Protein change: p.Ala324Thr; replaces alanine 324 with threonine.
Molecular consequence: missense variant. On other transcripts: non-coding transcript variant (1).
Genome position (GRCh38, 1-based): chr3:9,928,397, G>A. VCF-style: chr3-9928397-G-A. GRCh37 (hg19) VCF-style: chr3-9970081-G-A.
Other names: p.Ala395Thr; c.970G>A, p.Ala324Thr (NM_001203263.2, NM_001203264.2); c.925G>A, p.Ala309Thr (NM_001203265.2, NM_001367280.1, NM_032732.6); c.931G>A, p.Ala311Thr (NM_001367278.1); c.850G>A, p.Ala284Thr (NM_001367279.1); c.1183G>A, p.Ala395Thr (NM_153461.4); short protein forms A395T, A324T, A309T, A311T, A284T.
Identifiers: ClinVar variation 475918 (VCV000475918.17), dbSNP rs115461448, ClinGen allele CA2247086.

ClinVar aggregate classification (germline): Benign. Review status: criteria provided, multiple submitters, no conflicts (2 of 4 stars). 4 submissions from 4 submitters: Benign (4). Last evaluated 2026-07-01.

Conditions:
Candidiasis, familial, 9 (CANDF9). Identifiers: Orphanet 1334, MedGen C4225324, MONDO:0014642, OMIM 616445.

Allele frequency attached by ClinVar (database versions not stated): 1000 Genomes Project 0.00859; 1000 Genomes Project 30x 0.00921; gnomAD 0.01170 and 0.01176; ExAC 0.01174; TOPMed 0.01174; gnomAD exomes 0.01209; ESP Exome Variant Server 0.01331.

Submissions (4):

CeGaT Center for Human Genetics Tuebingen
Classification: Benign. Last evaluated: 2026-07-01. Review status: criteria provided, single submitter. Criteria: CeGaT Center For Human Genetics Tuebingen Variant Classification Criteria Version 2. Collection method: clinical testing. Allele origin: germline. Affected: yes. Observed: 2 variant alleles.
Comment: IL17RC: BP4, BS1, BS2

Labcorp Genetics (formerly Invitae), Labcorp
Classification: Benign for Candidiasis, familial, 9. Last evaluated: 2026-02-02. Review status: criteria provided, single submitter. Criteria: Invitae Variant Classification Sherloc (09022015). Collection method: clinical testing. Allele origin: germline.

Mayo Clinic Laboratories, Mayo Clinic
Classification: Benign. Last evaluated: 2024-11-08. Review status: criteria provided, single submitter. Criteria: ACMG Guidelines, 2015. Collection method: clinical testing. Allele origin: germline. Observed: 4 variant alleles.
Comment: BS1, BS2, BP4

Breakthrough Genomics
Classification: Benign. Review status: criteria provided, single submitter. Criteria: ACMG Guidelines, 2015. Collection method: not provided. Allele origin: germline. Inheritance: Autosomal recessive inheritance. Affected: yes.